The following is an entry in ClinVar:

ClinVar aggregate classification (germline): Uncertain significance (1 of 4 stars; one submission).

Submission:

GeneDx
Classification: Uncertain significance. Last evaluated: 2023-10-31. Review status: criteria provided, single submitter. Criteria: GeneDx Variant Classification Process June 2021. Collection method: clinical testing. Allele origin: germline. Affected: yes.
Comment: Has not been previously published as pathogenic or benign to our knowledge; Not observed at significant frequency in large population cohorts (gnomAD); In silico analysis supports that this missense variant does not alter protein structure/function

NM_012062.5(DNM1L):c.1831C>T (p.Pro611Ser)

Gene: DNM1L (dynamin 1 like; plus strand). Cytogenetic location: 12p11.21.
Variant type: single nucleotide variant.
Coding change: c.1831C>T on transcript NM_012062.5 (MANE Select); coding-DNA position 1831, C replaced by T.
Protein change: p.Pro611Ser; replaces proline 611 with serine.
Molecular consequence: missense variant.
Genome position (GRCh38, 1-based): chr12:32,740,187, C>T. VCF-style: chr12-32740187-C-T. GRCh37 (hg19) VCF-style: chr12-32893121-C-T.
Other names: c.1798C>T, p.Pro600Ser (NM_001278463.2); c.1870C>T, p.Pro624Ser (NM_001278464.2); c.1837C>T, p.Pro613Ser (NM_001278465.2); c.1222C>T, p.Pro408Ser (NM_001278466.2); c.1759C>T, p.Pro587Ser (NM_001330380.2); c.1720C>T, p.Pro574Ser (NM_005690.5); c.1753C>T, p.Pro585Ser (NM_012063.4); short protein forms P408S, P574S, P585S, P587S, P600S, P611S, P613S, P624S.
Identifiers: ClinVar variation 3363623 (VCV003363623.1).